The following is an entry in ClinVar:

ClinVar aggregate classification (germline): Uncertain significance (1 of 4 stars; one submission).

Conditions:
Intellectual developmental disorder, autosomal dominant 29. Also called: SETBP1 Haploinsufficiency Disorder; Intellectual disability, autosomal dominant 29. Identifiers: Orphanet 436151, MedGen C4015141, MONDO:0014482, OMIM 616078.

gnomAD v4.1: 10 of 1,614,198 alleles (0.00062%); highest among the groups gnomAD compares: Non-Finnish European, 0.00085%; no homozygotes.

Submission:

Victorian Clinical Genetics Services, Murdoch Childrens Research Institute
Classification: Uncertain significance for Intellectual developmental disorder, autosomal dominant 29. Last evaluated: 2023-07-16. Review status: criteria provided, single submitter. Criteria: ACMG Guidelines, 2015. Collection method: clinical testing. Allele origin: germline. Inheritance: Autosomal dominant inheritance. Affected: yes.
Comment: Based on the classification scheme VCGS_Germline_v1.3.4, this variant is classified as VUS-3B. Following criteria are met: 0103 - Loss of function and gain of function are known mechanisms of disease in this gene and are associated with autosomal dominant intellectual disability 29 (MIM#616078) and Schinzel-Giedion midface retraction syndrome (MIM#269150), respectively. The former is caused by premature termination variants, whereas the latter is caused by missense variants resulting in increased SETBP1 protein stability (PMIDs: 28346496, 32460883, 25217958). (I) 0107 - This gene is associated with autosomal dominant disease. (I) 0200 - Variant is predicted to result in a missense amino acid change from lysine to threonine. (I) 0251 - This variant is heterozygous. (I) 0301 - Variant is absent from gnomAD (both v2 and v3). (SP) 0309 - Two alternative amino acid changes at the same position has been observed in gnomAD (v3) (1 heterozygote, 0 homozygotes). (I) 0502 - Missense variant with conflicting in silico predictions and uninformative conservation. (I) 0604 - Variant is not located in an established domain, motif, hotspot or informative constraint region. (I) 0705 - No comparable missense variants have previous evidence for pathogenicity. (I) 0807 - This variant has no previous evidence of pathogenicity. (I) 0905 - No published segregation evidence has been identified for this variant. (I) 1007 - No published functional evidence has been identified for this variant. (I) 1208 - Inheritance information for this variant is not currently available in this individual. (I) Legend: (SP) - Supporting pathogenic, (I) - Information, (SB) - Supporting benign

Literature cited by the submitters: PubMed 25217958; PubMed 28346496; PubMed 32460883.

NM_015559.3(SETBP1):c.3620A>C (p.Lys1207Thr)

Gene: SETBP1 (SET binding protein 1; plus strand). Cytogenetic location: 18q12.3.
Variant type: single nucleotide variant.
Coding change: c.3620A>C on transcript NM_015559.3 (MANE Select); coding-DNA position 3620, A replaced by C.
Protein change: p.Lys1207Thr; replaces lysine 1207 with threonine.
Molecular consequence: missense variant.
Genome position (GRCh38, 1-based): chr18:44,952,960, A>C. VCF-style: chr18-44952960-A-C. GRCh37 (hg19) VCF-style: chr18-42532925-A-C.
Other names: c.3620A>C, p.Lys1207Thr (NM_001379141.1, NM_001379142.1, NM_001410862.1); short protein forms K1207T.
Identifiers: ClinVar variation 3254647 (VCV003254647.1), dbSNP rs1295704291.